The following is an entry in ClinVar:

ClinVar aggregate classification (germline): Pathogenic/Likely pathogenic. Review status: criteria provided, multiple submitters, no conflicts (2 of 4 stars). 6 submissions from 6 submitters: Pathogenic (4); Likely pathogenic (2). Last evaluated 2026-08-06.

Conditions:
Walker-Warburg congenital muscular dystrophy. Also called: Muscular dystrophy-dystroglycanopathy, type A; Walker-Warburg syndrome. Identifiers: Orphanet 899, MedGen C0265221, MONDO:0000171.
Autosomal recessive limb-girdle muscular dystrophy type 2K. Also called: MUSCULAR DYSTROPHY-DYSTROGLYCANOPATHY (LIMB-GIRDLE), TYPE C, 1; MUSCULAR DYSTROPHY, LIMB-GIRDLE, TYPE 2K. Identifiers: Orphanet 86812, MedGen C1836373, MONDO:0012248, OMIM 609308.
Muscular dystrophy-dystroglycanopathy (congenital with impaired intellectual development), type B, 1. Also called: Muscular dystrophy-dystroglycanopathy (congenital with intellectual disability), type B1; MUSCULAR DYSTROPHY, CONGENITAL, POMT1-RELATED. Identifiers: MedGen C5436962, MONDO:0013159, OMIM 613155.
Muscular dystrophy-dystroglycanopathy (congenital with brain and eye anomalies), type A1 (MDDGA1). Also called: COD-MD SYNDROME; WALKER-WARBURG SYNDROME OR MUSCLE-EYE-BRAIN DISEASE, POMT1-RELATED; Hydrocephalus, agyria and retinal dysplasia; Hard +/- E syndrome; Warburg syndrome; Chemke syndrome. Identifiers: Orphanet 588, Orphanet 899, MedGen C4284790, MONDO:0009364, OMIM 236670.

Allele frequency attached by ClinVar (database versions not stated): gnomAD 0.00001; gnomAD exomes below 0.00001; TOPMed below 0.00001.
gnomAD v4.1: 5 of 1,614,050 alleles (0.00031%); highest among the groups gnomAD compares: East Asian, 0.0045%; no homozygotes.

Submissions (7):

OLLIN Analises Genomicas, OLLIN
Classification: Likely pathogenic for Muscular dystrophy-dystroglycanopathy (congenital with brain and eye anomalies), type A1. Last evaluated: 2026-08-06. Review status: criteria provided, single submitter. Criteria: ACMG Guidelines 2015 PMID 25741868. Collection method: clinical testing. Allele origin: germline.
Comment: This variant, located at the canonical splicing site (splice donor), has been reported in ClinVar (accession VCV001686087.9) and in gnomAD with an allele frequency of 0.00031%. However, to our knowledge, it has not been reported in the scientific literature. This variant is predicted to disrupt a canonical splice site, potentially leading to exon skipping, mRNA degradation via nonsense-mediated decay (NMD), or production of a truncated protein. According to the currently available evidence, this variant has been classified as likely pathogenic (PVS1, PM2_P).

Labcorp Genetics (formerly Invitae), Labcorp
Classification: Pathogenic for Muscular dystrophy-dystroglycanopathy (congenital with impaired intellectual development), type B, 1; Walker-Warburg congenital muscular dystrophy; Autosomal recessive limb-girdle muscular dystrophy type 2K. Last evaluated: 2025-08-28. Review status: criteria provided, single submitter. Criteria: Invitae Variant Classification Sherloc (09022015). Collection method: clinical testing. Allele origin: germline.
Comment: This sequence change affects a donor splice site in intron 10 of the POMT1 gene. It is expected to disrupt RNA splicing. Variants that disrupt the donor or acceptor splice site typically lead to a loss of protein function (PMID: 16199547), and loss-of-function variants in POMT1 are known to be pathogenic (PMID: 12369018, 15637732, 16575835). This variant is not present in population databases (gnomAD no frequency). Disruption of this splice site has been observed in individual(s) with congenital muscular dystrophy (PMID: 27193224). In at least one individual the data is consistent with being in trans (on the opposite chromosome) from a pathogenic variant. ClinVar contains an entry for this variant (Variation ID: 1686087). Algorithms developed to predict the effect of sequence changes on RNA splicing suggest that this variant may disrupt the consensus splice site. For these reasons, this variant has been classified as Pathogenic.

Baylor Genetics
Classification: Pathogenic for Muscular dystrophy-dystroglycanopathy (congenital with brain and eye anomalies), type A1. Last evaluated: 2023-05-23. Review status: criteria provided, single submitter. Criteria: ACMG Guidelines, 2015. Collection method: clinical testing. Allele origin: unknown.

Mendelics
Classification: Pathogenic for Muscular dystrophy-dystroglycanopathy (congenital with brain and eye anomalies), type A1. Last evaluated: 2022-05-04. Review status: criteria provided, single submitter. Criteria: Mendelics Assertion Criteria 2019. Collection method: clinical testing. Allele origin: germline.

Fulgent Genetics
Classification: Likely pathogenic for Muscular dystrophy-dystroglycanopathy (congenital with brain and eye anomalies), type A1; Autosomal recessive limb-girdle muscular dystrophy type 2K; Muscular dystrophy-dystroglycanopathy (congenital with impaired intellectual development), type B, 1. Last evaluated: 2021-07-16. Review status: criteria provided, single submitter. Criteria: ACMG Guidelines, 2015. Collection method: clinical testing. Allele origin: unknown.

Juno Genomics, Hangzhou Juno Genomics, Inc
Classification: Pathogenic for Muscular dystrophy-dystroglycanopathy (congenital with impaired intellectual development), type B, 1; Muscular dystrophy-dystroglycanopathy (congenital with brain and eye anomalies), type A1; Autosomal recessive limb-girdle muscular dystrophy type 2K. Review status: criteria provided, single submitter. Criteria: ACMG Guidelines, 2015. Collection method: clinical testing. Allele origin: germline.
Comment: Null variant in a gene where loss of function (LOF) is a known mechanism of disease.;Absent from controls (or at extremely low frequency if recessive) in Genome Aggregation Database.;Patient's phenotype or family history is highly specific for a disease with a single genetic etiology.

Dr. Peter K. Rogan Lab, Western University
No classification provided (evidence only). Condition: Thymoma. Review status: no classification provided. Collection method: in vitro. Allele origin: not applicable. Functional consequence: retained intron. Not counted in ClinVar's aggregate classification.

Literature cited by the submitters: PubMed 16199547 (cited by Labcorp Genetics (formerly Invitae), Labcorp); PubMed 12369018 (cited by Labcorp Genetics (formerly Invitae), Labcorp); PubMed 15637732 (cited by Labcorp Genetics (formerly Invitae), Labcorp); PubMed 16575835 (cited by Labcorp Genetics (formerly Invitae), Labcorp); PubMed 27193224 (cited by Labcorp Genetics (formerly Invitae), Labcorp).

NM_001077365.2(POMT1):c.986+1G>A

Gene: POMT1 (protein O-mannosyltransferase 1; plus strand). Cytogenetic location: 9q34.13.
Variant type: single nucleotide variant.
Coding change: c.986+1G>A on transcript NM_001077365.2 (MANE Select); the canonical splice donor site of the intron after coding-DNA position 986, G replaced by A.
Molecular consequence: splice donor variant. On other transcripts: missense variant (1), 5 prime UTR variant (1), non-coding transcript variant (5).
Genome position (GRCh38, 1-based): chr9:131,511,468, G>A. VCF-style: chr9-131511468-G-A. GRCh37 (hg19) VCF-style: chr9-134386855-G-A.
Other names: c.970G>A, p.Val324Ile (NM_001374689.1); c.-150G>A (NM_001411024.1); c.890+1G>A (NM_001353198.2, NM_001353197.2); c.1052+1G>A (NM_001353193.2, NM_007171.4); c.986+1G>A (NM_001136113.2, NM_001374690.1); c.824+1G>A (NM_001353194.2, NM_001077366.2, NM_001374693.1); c.635+1G>A (NM_001374691.1, NM_001353195.2, NM_001374692.1 and 1 more transcripts); c.896+1G>A (NM_001353196.2); and 3 more; short protein forms V324I.
Identifiers: ClinVar variation 1686087 (VCV001686087.11), dbSNP rs961071228, ClinGen allele CA200785779.
Genomic context (GRCh38, chr9:131,511,468, plus strand): 5'-CGTCTTTGGGAAACCTGTGCCCTGCTGGCTTCATTCCCACCAGGACACCTACCCCATGAT[G>A]TAAGGTGATGGTTTTACTTTGAAGATAATTAAATGCTTTATTTGCTCGTAGATTTGCTTA-3'